The following is an entry in ClinVar:

NM_001414.4(EIF2B1):c.765C>T (p.Asp255=)

Genes: EIF2B1 (eukaryotic translation initiation factor 2B subunit alpha; minus strand), LOC126861664 (CDK7 strongly-dependent group 2 enhancer GRCh37_chr12:124105924-124107123; plus strand). Cytogenetic location: 12q24.31.
Variant type: single nucleotide variant.
Coding change: c.765C>T on transcript NM_001414.4 (MANE Select); coding-DNA position 765, C replaced by T.
Protein change: p.Asp255=; no amino-acid change (aspartic acid 255 retained).
Molecular consequence: synonymous variant.
Genome position (GRCh38, 1-based): chr12:123,621,909, G>A on the plus strand (C>T on the coding strand, the complement: EIF2B1 is on the minus strand). VCF-style: chr12-123621909-G-A. GRCh37 (hg19) VCF-style: chr12-124106456-G-A.
Other names: c.765C>T (NM_001414.3).
Identifiers: ClinVar variation 2892296 (VCV002892296.5), dbSNP rs1337288734, ClinGen allele CA482256633.

ClinVar aggregate classification (germline): Likely benign. Review status: criteria provided, single submitter (1 of 4 stars). 2 submissions from 2 submitters: Likely benign (1). 1 of the submissions does not count toward it. Last evaluated 2023-09-10.

Conditions:
EIF2B1-related disorder. Also called: EIF2B1-related condition.

Allele frequency attached by ClinVar (database versions not stated): gnomAD exomes below 0.00001; gnomAD 0.00006; TOPMed 0.00006.
gnomAD v4.1: 11 of 1,613,906 alleles (0.00068%); highest among the groups gnomAD compares: Admixed American, 0.015%; no homozygotes.

Submissions (2):

Labcorp Genetics (formerly Invitae), Labcorp
Classification: Likely benign. Last evaluated: 2023-09-10. Review status: criteria provided, single submitter. Criteria: Invitae Variant Classification Sherloc (09022015). Collection method: clinical testing. Allele origin: germline.

PreventionGenetics, part of Exact Sciences
Classification: Likely benign for EIF2B1-related condition. Last evaluated: 2019-08-19. Review status: no assertion criteria provided. Collection method: clinical testing. Allele origin: germline. Not counted in ClinVar's aggregate classification.
Comment: This variant is classified as likely benign based on ACMG/AMP sequence variant interpretation guidelines (Richards et al. 2015 PMID: 25741868, with internal and published modifications).